The following is an entry in ClinVar:

NM_000132.4(F8):c.1264G>C (p.Asp422His)

Gene: F8 (coagulation factor VIII; minus strand). Cytogenetic location: Xq28.
Variant type: single nucleotide variant.
Coding change: c.1264G>C on transcript NM_000132.4 (MANE Select); coding-DNA position 1264, G replaced by C.
Protein change: p.Asp422His; replaces aspartic acid 422 with histidine.
Molecular consequence: missense variant.
Genome position (GRCh38, 1-based): chrX:154,966,433, C>G on the plus strand (G>C on the coding strand, the complement: F8 is on the minus strand). VCF-style: chrX-154966433-C-G. GRCh37 (hg19) VCF-style: chrX-154194708-C-G.
Other names: c.1264G>C (NM_000132.3); short protein forms D422H.
Identifiers: ClinVar variation 1685800 (VCV001685800.6), dbSNP rs370737113, ClinGen allele CA10568488.
Genomic context (GRCh38, chrX:154,966,433, plus strand): 5'-AGAACTTTTTGAGTATGGGGAAGAGAGAGTACCAATAGTCAAAAAGTGCTTACCTGTCAT[C>G]GGGGGCGAGGACTAAGGGAGCATAGTCCCAGTCCTCCTCTTCAGCAGCAATGTAATGTAC-3'
Protein context (NP_000123.1, residues 412-432): WDYAPLVLAP[Asp422His]DRSYKSQYLN

ClinVar aggregate classification (germline): Conflicting classifications of pathogenicity. Review status: criteria provided, conflicting classifications (1 of 4 stars). 4 submissions from 4 submitters: Pathogenic (1); Uncertain significance (3). Last evaluated 2026-01-19.

Conditions:
Hereditary factor VIII deficiency disease (HEMA). Also called: HEMOPHILIA, CLASSIC; AUTOSOMAL HEMOPHILIA A; Hemophilia A, congenital; HEM A; Factor 8 deficiency, congenital; Hemophilia A. Identifiers: Orphanet 98878, MedGen C0019069, MONDO:0010602, OMIM 306700.
Thrombophilia, X-linked, due to factor 8 defect. Also called: THROMBOPHILIA, X-LINKED, DUE TO FACTOR VIII DEFECT; Thrombophilia 13, X-linked, due to factor VIII defect. Identifiers: MedGen C5676879, MONDO:0859082, OMIM 301071.

Allele frequency attached by ClinVar (database versions not stated): ExAC 0.00012; 1000 Genomes Project 0.00026; 1000 Genomes Project 30x 0.00042.
gnomAD v4.1: 72 of 1,209,101 alleles (0.006%); highest among the groups gnomAD compares: South Asian, 0.11%; no homozygotes.

Submissions (4):

Women's Health and Genetics/Laboratory Corporation of America, LabCorp
Classification: Uncertain significance. Last evaluated: 2026-01-19. Review status: criteria provided, single submitter. Criteria: LabCorp Variant Classification Summary - May 2015. Collection method: clinical testing. Allele origin: germline.
Comment: Variant summary: F8 c.1264G>C (p.Asp422His) results in a non-conservative amino acid change in the encoded protein sequence. Algorithms developed to predict the effect of missense changes on protein structure and function are either unavailable or do not agree on the potential impact of this missense change. The variant allele was found at a frequency of 0.00013 in 182362 control chromosomes. This frequency is not significantly higher than estimated for disease-causing variants in F8, allowing no conclusion about variant significance. To our knowledge, no occurrence of c.1264G>C in individuals affected with F8-related conditions and no experimental evidence demonstrating its impact on protein function have been reported. ClinVar contains an entry for this variant (Variation ID: 1685800). Based on the evidence outlined above, the variant was classified as uncertain significance.

Neuberg Centre For Genomic Medicine, NCGM
Classification: Uncertain significance for Hereditary factor VIII deficiency disease. Last evaluated: 2023-05-20. Review status: criteria provided, single submitter. Criteria: ACMG Guidelines, 2015. Collection method: clinical testing. Allele origin: germline. Inheritance: X-linked recessive inheritance. Affected: yes.
Comment: The observed missense variant c.1264G>C(p.Asp422His) in F8 gene has been submitted to the ClinVar database as Uncertain Significance / Pathogenic, but no details are available for independent assessment. To our knowledge, this variant has not been reported in literature in individuals affected with F8-associated disorders. This variant is present with an allele frequency of 0.01% (23 heterozygotes; 7 hemizygotes and no homozygote) on gnomAD exomes database. Computational evidence (SIFT - tolerated; Polyphen - possibly damaging; MutationTaster - polymorphism) predict conflicting on protein structure and function for this variant. The amino acid Asp at position 422 is changed to a His changing protein sequence and it might alter its composition and physico-chemical properties. For these reasons, this variant has been classified as a Variant of Uncertain Significance (VUS).

Mendelics
Classification: Pathogenic for Thrombophilia, X-linked, due to factor 8 defect. Last evaluated: 2022-05-04. Review status: criteria provided, single submitter. Criteria: Mendelics Assertion Criteria 2019. Collection method: clinical testing. Allele origin: germline.

Revvity Omics, Revvity
Classification: Uncertain significance. Last evaluated: 2020-12-14. Review status: criteria provided, single submitter. Criteria: ACMG Guidelines, 2015. Collection method: clinical testing. Allele origin: germline.